The following is an entry in ClinVar:

ClinVar aggregate classification (germline): Pathogenic (1 of 4 stars; one submission).

Submission:

Labcorp Genetics (formerly Invitae), Labcorp
Classification: Pathogenic. Last evaluated: 2022-08-16. Review status: criteria provided, single submitter. Criteria: Invitae Variant Classification Sherloc (09022015). Collection method: clinical testing. Allele origin: germline.
Comment: This sequence change creates a premature translational stop signal (p.Glu751Lysfs*9) in the KIAA2022 gene. It is expected to result in an absent or disrupted protein product. Loss-of-function variants in KIAA2022 are known to be pathogenic (PMID: 23615299). This variant is not present in population databases (gnomAD no frequency). This variant has not been reported in the literature in individuals affected with KIAA2022-related conditions. ClinVar contains an entry for this variant (Variation ID: 578993). For these reasons, this variant has been classified as Pathogenic.

Literature cited by the submitters: PubMed 23615299.

NM_001008537.3(NEXMIF):c.2251del (p.Glu751fs)

Gene: NEXMIF (neurite extension and migration factor; minus strand). Cytogenetic location: Xq13.3.
Variant type: Deletion.
Coding change: c.2251del on transcript NM_001008537.3 (MANE Select); coding-DNA position 2251, one base deleted (G; older notation c.2251delG).
Protein change: p.Glu751fs; shifts the reading frame from glutamic acid 751.
Molecular consequence: frameshift variant.
Genome position (GRCh38, 1-based): chrX:74,742,306, C deleted on the plus strand (G on the coding strand, the reverse complement: NEXMIF is on the minus strand); the first of 2 consecutive C bases (chrX:74,742,306-74,742,307); deleting either gives the same sequence. VCF-style (leftmost placement, unchanged base first): chrX-74742305-TC-T. GRCh37 (hg19) VCF-style: chrX-73962140-TC-T.
Other names: short protein forms E751fs.
Identifiers: ClinVar variation 578993 (VCV000578993.7), dbSNP rs1569335485, ClinGen allele CA891844022.